The following is an entry in ClinVar:

ClinVar aggregate classification (germline): Uncertain significance (1 of 4 stars; one submission).

gnomAD v4.1: 45 of 1,596,556 alleles (0.0028%); highest among the groups gnomAD compares: South Asian, 0.0045%; no homozygotes.

Submission:

GeneDx
Classification: Uncertain significance. Last evaluated: 2024-03-10. Review status: criteria provided, single submitter. Criteria: GeneDx Variant Classification Process June 2021. Collection method: clinical testing. Allele origin: germline. Affected: yes.
Comment: In silico analysis supports that this missense variant does not alter protein structure/function; Has not been previously published as pathogenic or benign to our knowledge

NM_004817.4(TJP2):c.910G>A (p.Gly304Arg)

Gene: TJP2 (tight junction protein 2; plus strand). Cytogenetic location: 9q21.11.
Variant type: single nucleotide variant.
Coding change: c.910G>A on transcript NM_004817.4 (MANE Select); coding-DNA position 910, G replaced by A.
Protein change: p.Gly304Arg; replaces glycine 304 with arginine.
Molecular consequence: missense variant.
Genome position (GRCh38, 1-based): chr9:69,221,454, G>A. VCF-style: chr9-69221454-G-A. GRCh37 (hg19) VCF-style: chr9-71836370-G-A.
Other names: c.841G>A, p.Gly281Arg (NM_001170414.2, NM_001369870.1, NM_001369871.1); c.922G>A, p.Gly308Arg (NM_001170415.1, NM_001369874.1, NM_001369875.1); c.1003G>A, p.Gly335Arg (NM_001170416.2); c.910G>A, p.Gly304Arg (NM_001369872.1, NM_001369873.1, NM_201629.3); short protein forms G281R, G304R, G308R, G335R.
Identifiers: ClinVar variation 3343572 (VCV003343572.1).